The following is an entry in ClinVar:

NM_004656.4(BAP1):c.*385A>T

Gene: BAP1 (BRCA1 associated deubiquitinase 1; minus strand). Cytogenetic location: 3p21.1.
Variant type: single nucleotide variant.
Coding change: c.*385A>T on transcript NM_004656.4 (MANE Select); 385 bases downstream of the stop codon, A replaced by T.
Molecular consequence: 3 prime UTR variant.
Genome position (GRCh38, 1-based): chr3:52,401,903, T>A on the plus strand (A>T on the coding strand, the complement: BAP1 is on the minus strand). VCF-style: chr3-52401903-T-A. GRCh37 (hg19) VCF-style: chr3-52435919-T-A.
Identifiers: ClinVar variation 903577 (VCV000903577.4), dbSNP rs143014714, ClinGen allele CA74739683.

ClinVar aggregate classification (germline): Benign (1 of 4 stars; one submission).

Conditions:
BAP1-related tumor predisposition syndrome (TPDS1). Also called: Tumor susceptibility linked to germline BAP1 mutations; COMMON Syndrome; TUMOR PREDISPOSITION SYNDROME 1; BAP1 tumor predisposition syndrome. Identifiers: Orphanet 289539, MedGen C3280492, MONDO:0013692, OMIM 614327.

Allele frequency attached by ClinVar (database versions not stated): gnomAD exomes 0.00029; 1000 Genomes Project 0.00160; 1000 Genomes Project 30x 0.00172; gnomAD 0.00176 and 0.00187; TOPMed 0.00186.
gnomAD v4.1: 338 of 380,778 alleles (0.089%); highest among the groups gnomAD compares: African/African-American, 0.59%; 3 homozygotes.

Submission:

Illumina Laboratory Services, Illumina
Classification: Benign for BAP1-related tumor predisposition syndrome. Last evaluated: 2018-01-13. Review status: criteria provided, single submitter. Criteria: ICSL Variant Classification Criteria 13 December 2019. Collection method: clinical testing. Allele origin: germline.
Comment: This variant was observed in the ICSL laboratory as part of a predisposition screen in an ostensibly healthy population. It had not been previously curated by ICSL or reported in the Human Gene Mutation Database (HGMD: prior to June 1st, 2018), and was therefore a candidate for classification through an automated scoring system. Utilizing variant allele frequency, disease prevalence and penetrance estimates, and inheritance mode, an automated score was calculated to assess if this variant is too frequent to cause the disease. Based on the score and internal cut-off values, a variant classified as benign is not then subjected to further curation. The score for this variant resulted in a classification of benign for this disease.